The following is an entry in ClinVar:

ClinVar aggregate classification (germline): Likely benign. Review status: criteria provided, multiple submitters, no conflicts (2 of 4 stars). 5 submissions from 5 submitters: Likely benign (5). Last evaluated 2026-06-25.

Conditions:
TNFAIP3-related disorder. Also called: TNFAIP3-related condition.

Allele frequency attached by ClinVar (database versions not stated): gnomAD exomes 0.00005 and 0.00012; ExAC 0.00013; 1000 Genomes Project 30x 0.00031; 1000 Genomes Project 0.00040; gnomAD 0.00048 and 0.00053; TOPMed 0.00063; ESP Exome Variant Server 0.00069.
gnomAD v4.1: 150 of 1,613,292 alleles (0.0093%); highest among the groups gnomAD compares: African/African-American, 0.19%; no homozygotes.

Submissions (5):

PreventionGenetics, part of Exact Sciences
Classification: Likely benign for TNFAIP3-related condition. Last evaluated: 2026-06-25. Review status: criteria provided, single submitter. Criteria: ACMG Guidelines, 2015. Collection method: clinical testing. Allele origin: germline.
Comment: This variant is classified as likely benign based on ACMG/AMP sequence variant interpretation guidelines (Richards et al. 2015 PMID: 25741868, with internal and published modifications).

Labcorp Genetics (formerly Invitae), Labcorp
Classification: Likely benign. Last evaluated: 2025-12-01. Review status: criteria provided, single submitter. Criteria: Invitae Variant Classification Sherloc (09022015). Collection method: clinical testing. Allele origin: germline.

Mayo Clinic Laboratories, Mayo Clinic
Classification: Likely benign. Last evaluated: 2025-06-13. Review status: criteria provided, single submitter. Criteria: ACMG Guidelines, 2015. Collection method: clinical testing. Allele origin: germline. Observed: 2 variant alleles.

Women's Health and Genetics/Laboratory Corporation of America, LabCorp
Classification: Likely benign. Last evaluated: 2024-12-24. Review status: criteria provided, single submitter. Criteria: LabCorp Variant Classification Summary - May 2015. Collection method: clinical testing. Allele origin: germline.

Blueprint Genetics
Classification: Likely benign. Last evaluated: 2024-10-16. Review status: criteria provided, single submitter. Criteria: ACMG Guidelines, 2015. Collection method: clinical testing. Allele origin: germline.

NM_001270508.2(TNFAIP3):c.2254C>T (p.Pro752Ser)

Gene: TNFAIP3 (TNF alpha induced protein 3; plus strand). Cytogenetic location: 6q23.3.
Variant type: single nucleotide variant.
Coding change: c.2254C>T on transcript NM_001270508.2 (MANE Select); coding-DNA position 2254, C replaced by T.
Protein change: p.Pro752Ser; replaces proline 752 with serine.
Molecular consequence: missense variant.
Genome position (GRCh38, 1-based): chr6:137,881,200, C>T. VCF-style: chr6-137881200-C-T. GRCh37 (hg19) VCF-style: chr6-138202337-C-T.
Other names: p.Pro752Ser; c.2254C>T, p.Pro752Ser (NM_001270507.2, NM_006290.4); c.2254C>T (NM_006290.3); short protein forms P752S.
Identifiers: ClinVar variation 1606274 (VCV001606274.12), dbSNP rs138068339, ClinGen allele CA4019826.
Genomic context (GRCh38, chr6:137,881,200, plus strand): 5'-CTCTGCATGGAGTGTCAGCATCCCAACCAGAGGATGGGCCCTGGGGCCCACCGGGGTGAG[C>T]CTGCCCCCGAAGACCCCCCCAAGCAGCGTTGCCGGGCCCCCGCCTGTGATCATTTTGGCA-3'
Protein context (NP_001257437.1, residues 742-762): RMGPGAHRGE[Pro752Ser]APEDPPKQRC